The following is an entry in ClinVar:

NM_004082.5(DCTN1):c.3609+20C>T

Gene: DCTN1 (dynactin subunit 1; minus strand). Cytogenetic location: 2p13.1.
Variant type: single nucleotide variant.
Coding change: c.3609+20C>T on transcript NM_004082.5 (MANE Select); 20 bases into the intron after coding-DNA position 3609, C replaced by T.
Molecular consequence: intron variant.
Genome position (GRCh38, 1-based): chr2:74,362,630, G>A on the plus strand (C>T on the coding strand, the complement: DCTN1 is on the minus strand). VCF-style: chr2-74362630-G-A. GRCh37 (hg19) VCF-style: chr2-74589757-G-A.
Other names: c.3483+20C>T (NM_001190836.2); c.3540+20C>T (NM_001378992.1); c.3558+20C>T (NM_001378991.1); c.3534+20C>T (NM_001135040.3); c.3588+20C>T (NM_001190837.2); c.3192+20C>T (NM_001135041.3); c.3207+20C>T (NM_023019.4).
Identifiers: ClinVar variation 2060547 (VCV002060547.4), dbSNP rs1439201428, ClinGen allele CA533719785.

ClinVar aggregate classification (germline): Uncertain significance (1 of 4 stars; one submission).

Conditions:
Amyotrophic lateral sclerosis type 1 (ALS1). Also called: AMYOTROPHIC LATERAL SCLEROSIS 1, FAMILIAL. Identifiers: Orphanet 803, MedGen C1862939, MONDO:0007103, OMIM 105400.
Neuronopathy, distal hereditary motor, type 7B. Also called: NEURONOPATHY, DISTAL HEREDITARY MOTOR, AUTOSOMAL DOMINANT 14; NEURONOPATHY, DISTAL HEREDITARY MOTOR, HARDING TYPE VIIB; NEUROPATHY, DISTAL HEREDITARY MOTOR, HARDING TYPE VIIB; NEUROPATHY, DISTAL HEREDITARY MOTOR, WITH VOCAL CORD PARALYSIS, HARDING TYPE VIIB; HMN VIIB; LOWER MOTOR NEURON DISEASE, DYNACTIN TYPE. Identifiers: Orphanet 139589, MedGen C1843315, MONDO:0011879, OMIM 607641.
Perry syndrome. Also called: PARKINSONISM WITH ALVEOLAR HYPOVENTILATION AND MENTAL DEPRESSION. Identifiers: Orphanet 178509, MedGen C1868594, MONDO:0008201, OMIM 168605.

Allele frequency attached by ClinVar (database versions not stated): gnomAD exomes below 0.00001; TOPMed 0.00001.
gnomAD v4.1: 1 of 1,612,326 alleles (0.000062%); highest among the groups gnomAD compares: Non-Finnish European, 0.000085%; no homozygotes.

Submission:

Labcorp Genetics (formerly Invitae), Labcorp
Classification: Uncertain significance for Amyotrophic lateral sclerosis type 1; Neuronopathy, distal hereditary motor, type 7B; Perry syndrome. Last evaluated: 2024-02-11. Review status: criteria provided, single submitter. Criteria: Invitae Variant Classification Sherloc (09022015). Collection method: clinical testing. Allele origin: germline.
Comment: This sequence change falls in intron 30 of the DCTN1 gene. It does not directly change the encoded amino acid sequence of the DCTN1 protein. This variant is not present in population databases (gnomAD no frequency). This variant has not been reported in the literature in individuals affected with DCTN1-related conditions. ClinVar contains an entry for this variant (Variation ID: 2060547). Algorithms developed to predict the effect of sequence changes on RNA splicing suggest that this variant may create or strengthen a splice site. In summary, the available evidence is currently insufficient to determine the role of this variant in disease. Therefore, it has been classified as a Variant of Uncertain Significance.